The following is an entry in ClinVar:

NM_173660.5(DOK7):c.1321G>A (p.Gly441Arg)

Gene: DOK7 (docking protein 7; plus strand). Cytogenetic location: 4p16.3.
Variant type: single nucleotide variant.
Coding change: c.1321G>A on transcript NM_173660.5 (MANE Select); coding-DNA position 1321, G replaced by A.
Protein change: p.Gly441Arg; replaces glycine 441 with arginine.
Molecular consequence: missense variant. On other transcripts: 3 prime UTR variant (1).
Genome position (GRCh38, 1-based): chr4:3,493,307, G>A. VCF-style: chr4-3493307-G-A. GRCh37 (hg19) VCF-style: chr4-3495034-G-A.
Other names: c.*542G>A (NM_001164673.2); c.391G>A, p.Gly131Arg (NM_001256896.2); c.1321G>A, p.Gly441Arg (NM_001301071.2); c.889G>A, p.Gly297Arg (NM_001363811.2); short protein forms G441R, G297R, G131R.
Identifiers: ClinVar variation 286319 (VCV000286319.16), dbSNP rs778266118, ClinGen allele CA2829465.

ClinVar aggregate classification (germline): Uncertain significance. Review status: criteria provided, multiple submitters, no conflicts (2 of 4 stars). 3 submissions from 3 submitters: Uncertain significance (3). Last evaluated 2025-08-29.

Conditions:
Inborn genetic diseases. Identifiers: MedGen C0950123, MeSH D030342.
Congenital myasthenic syndrome 10. Also called: Myasthenia, limb-girdle, familial. Identifiers: Orphanet 590, MedGen C1850792, MONDO:0009690, OMIM 254300.
Fetal akinesia deformation sequence 1 (FADS1). Also called: Fetal akinesia sequence; Pena-Shokeir syndrome type I. Identifiers: Orphanet 994, MedGen C1276035, MONDO:0100101, OMIM 208150, HP:0001989.

gnomAD v4.1: 45 of 1,605,842 alleles (0.0028%); highest among the groups gnomAD compares: Admixed American, 0.012%; no homozygotes.

Submissions (3):

Ambry Genetics
Classification: Uncertain significance for Inborn genetic diseases. Last evaluated: 2025-08-29. Review status: criteria provided, single submitter. Criteria: Ambry Variant Classification Scheme 2023. Collection method: clinical testing. Allele origin: germline.

Labcorp Genetics (formerly Invitae), Labcorp
Classification: Uncertain significance for Congenital myasthenic syndrome 10; Fetal akinesia deformation sequence 1. Last evaluated: 2024-10-14. Review status: criteria provided, single submitter. Criteria: Invitae Variant Classification Sherloc (09022015). Collection method: clinical testing. Allele origin: germline.
Comment: This sequence change replaces glycine, which is neutral and non-polar, with arginine, which is basic and polar, at codon 441 of the DOK7 protein (p.Gly441Arg). This variant is present in population databases (rs778266118, gnomAD 0.02%). This variant has not been reported in the literature in individuals affected with DOK7-related conditions. ClinVar contains an entry for this variant (Variation ID: 286319). Invitae Evidence Modeling of protein sequence and biophysical properties (such as structural, functional, and spatial information, amino acid conservation, physicochemical variation, residue mobility, and thermodynamic stability) indicates that this missense variant is not expected to disrupt DOK7 protein function with a negative predictive value of 80%. In summary, the available evidence is currently insufficient to determine the role of this variant in disease. Therefore, it has been classified as a Variant of Uncertain Significance.

Eurofins Ntd Llc (ga)
Classification: Uncertain significance. Last evaluated: 2016-03-04. Review status: criteria provided, single submitter. Criteria: EGL Classification Definitions 2015. Collection method: clinical testing. Allele origin: germline. Observed: 1 variant allele, 1 heterozygote.